The following is an entry in ClinVar:

ClinVar aggregate classification (germline): Pathogenic. Review status: criteria provided, multiple submitters, no conflicts (2 of 4 stars). 3 submissions from 3 submitters: Pathogenic (3). Last evaluated 2025-03-19.

Conditions:
Oculocutaneous albinism type 1A (OCA1A). Also called: Albinism, oculocutaneous, type IA. Identifiers: Orphanet 352731, Orphanet 79431, MedGen C4551504, MONDO:0008745, OMIM 203100. Disease mechanism: loss of function.
Oculocutaneous albinism type 1B (OCA1B). Also called: ALBINISM, OCULOCUTANEOUS, TYPE IB; ALBINISM, YELLOW MUTANT TYPE; YELLOW ALBINISM. Identifiers: Orphanet 352731, Orphanet 352737, Orphanet 79434, MedGen C1847024, MONDO:0011749, OMIM 606952.
SKIN/HAIR/EYE PIGMENTATION 3, LIGHT/DARK SKIN (SHEP3). Also called: EYE COLOR 1; EYE COLOR, GREEN/BLUE; SKIN/HAIR/EYE PIGMENTATION, VARIATION IN, 3; SKIN/HAIR/EYE PIGMENTATION 3, BLUE/GREEN EYE COLOR; SKIN/HAIR/EYE PIGMENTATION 3, FRECKLING. Identifiers: MedGen C2677190, OMIM 601800.
Oculocutaneous albinism. Identifiers: Orphanet 55, MedGen C0078918, MONDO:0018910.

Submissions (3):

Women's Health and Genetics/Laboratory Corporation of America, LabCorp
Classification: Pathogenic for Oculocutaneous albinism. Last evaluated: 2025-03-19. Review status: criteria provided, single submitter. Criteria: LabCorp Variant Classification Summary - May 2015. Collection method: clinical testing. Allele origin: germline.
Comment: Variant summary: TYR c.229C>G (p.Arg77Gly) results in a non-conservative amino acid change in the encoded protein sequence. Five of five in-silico tools predict a damaging effect of the variant on protein function. The variant was absent in 251094 control chromosomes. c.229C>G has been reported in the literature in multiple individuals affected with Oculocutaneous Albinism (examples: Wei_2021, Zhong_2019). These data indicate that the variant is very likely to be associated with disease. A different variant affecting the same codon has been classified as pathogenic by our lab (c.230G>A, p.Arg77Gln), supporting the critical relevance of codon 77 to TYR protein function. The following publications have been ascertained in the context of this evaluation (PMID: 31077556, 19865097). ClinVar contains an entry for this variant (Variation ID: 2137224). Based on the evidence outlined above, the variant was classified as pathogenic.

Labcorp Genetics (formerly Invitae), Labcorp
Classification: Pathogenic. Last evaluated: 2023-10-11. Review status: criteria provided, single submitter. Criteria: Invitae Variant Classification Sherloc (09022015). Collection method: clinical testing. Allele origin: germline.
Comment: This sequence change replaces arginine, which is basic and polar, with glycine, which is neutral and non-polar, at codon 77 of the TYR protein (p.Arg77Gly). This variant is not present in population databases (gnomAD no frequency). This missense change has been observed in individuals with ocular albinism (PMID: 19865097, 31077556). ClinVar contains an entry for this variant (Variation ID: 2137224). Advanced modeling of protein sequence and biophysical properties (such as structural, functional, and spatial information, amino acid conservation, physicochemical variation, residue mobility, and thermodynamic stability) performed at Invitae indicates that this missense variant is expected to disrupt TYR protein function. This variant disrupts the p.Arg77 amino acid residue in TYR. Other variant(s) that disrupt this residue have been determined to be pathogenic (PMID: 21985232, 31077556). This suggests that this residue is clinically significant, and that variants that disrupt this residue are likely to be disease-causing. For these reasons, this variant has been classified as Pathogenic.

Juno Genomics, Hangzhou Juno Genomics, Inc
Classification: Pathogenic for SKIN/HAIR/EYE PIGMENTATION 3, LIGHT/DARK SKIN; Oculocutaneous albinism type 1A; Oculocutaneous albinism type 1B. Review status: criteria provided, single submitter. Criteria: ACMG Guidelines, 2015. Collection method: clinical testing. Allele origin: germline.
Comment: Absent from controls (or at extremely low frequency if recessive) in Genome Aggregation Database.;Novel missense change at an amino acid residue where a different missense change determined to be pathogenic has been seen before.;Multiple lines of computational evidence support a deleterious effect on the gene or gene product.;For recessive disorders, detected in trans with a pathogenic variant.;Patient's phenotype or family history is highly specific for a disease with a single genetic etiology.

Literature cited by the submitters: PubMed 19865097 (cited by Women's Health and Genetics/Laboratory Corporation of America, LabCorp and Labcorp Genetics (formerly Invitae), Labcorp); PubMed 31077556 (cited by Women's Health and Genetics/Laboratory Corporation of America, LabCorp and Labcorp Genetics (formerly Invitae), Labcorp); PubMed 21985232 (cited by Labcorp Genetics (formerly Invitae), Labcorp).

NM_000372.5(TYR):c.229C>G (p.Arg77Gly)

Gene: TYR (tyrosinase; plus strand). Cytogenetic location: 11q14.3.
Variant type: single nucleotide variant.
Coding change: c.229C>G on transcript NM_000372.5 (MANE Select); coding-DNA position 229, C replaced by G.
Protein change: p.Arg77Gly; replaces arginine 77 with glycine.
Molecular consequence: missense variant.
Genome position (GRCh38, 1-based): chr11:89,178,182, C>G. VCF-style: chr11-89178182-C-G. GRCh37 (hg19) VCF-style: chr11-88911350-C-G.
Other names: short protein forms R77G.
Identifiers: ClinVar variation 2137224 (VCV002137224.9), dbSNP rs61753184, ClinGen allele CA382033819.